The following is an entry in ClinVar:

NM_032856.5(WDR73):c.517+6G>A

Gene: WDR73 (WD repeat domain 73; minus strand). Cytogenetic location: 15q25.2.
Variant type: single nucleotide variant.
Coding change: c.517+6G>A on transcript NM_032856.5 (MANE Select); 6 bases into the intron after coding-DNA position 517, G replaced by A.
Molecular consequence: intron variant.
Genome position (GRCh38, 1-based): chr15:84,646,178, C>T on the plus strand (G>A on the coding strand, the complement: WDR73 is on the minus strand). VCF-style: chr15-84646178-C-T. GRCh37 (hg19) VCF-style: chr15-85189409-C-T.
Identifiers: ClinVar variation 1949747 (VCV001949747.6), dbSNP rs201658963, ClinGen allele CA7707369.

ClinVar aggregate classification (germline): Uncertain significance. Review status: criteria provided, multiple submitters, no conflicts (2 of 4 stars). 2 submissions from 2 submitters: Uncertain significance (2). Last evaluated 2022-06-02.

Conditions:
Inborn genetic diseases. Identifiers: MedGen C0950123, MeSH D030342.

Allele frequency attached by ClinVar (database versions not stated): TOPMed 0.00001; gnomAD 0.00002; 1000 Genomes Project 30x 0.00016; 1000 Genomes Project 0.00020.
gnomAD v4.1: 35 of 1,613,498 alleles (0.0022%); highest among the groups gnomAD compares: South Asian, 0.0055%; no homozygotes.

Submissions (2):

Labcorp Genetics (formerly Invitae), Labcorp
Classification: Uncertain significance. Last evaluated: 2022-06-02. Review status: criteria provided, single submitter. Criteria: Invitae Variant Classification Sherloc (09022015). Collection method: clinical testing. Allele origin: germline.
Comment: In summary, the available evidence is currently insufficient to determine the role of this variant in disease. Therefore, it has been classified as a Variant of Uncertain Significance. Variants that disrupt the consensus splice site are a relatively common cause of aberrant splicing (PMID: 17576681, 9536098). Algorithms developed to predict the effect of sequence changes on RNA splicing suggest that this variant is not likely to affect RNA splicing. This variant has not been reported in the literature in individuals affected with WDR73-related conditions. This variant is present in population databases (rs201658963, gnomAD 0.01%). This sequence change falls in intron 6 of the WDR73 gene. It does not directly change the encoded amino acid sequence of the WDR73 protein. It affects a nucleotide within the consensus splice site.

Ambry Genetics
Classification: Uncertain significance for Inborn genetic diseases. Last evaluated: 2021-03-02. Review status: criteria provided, single submitter. Criteria: Ambry Variant Classification Scheme 2023. Collection method: clinical testing. Allele origin: germline.
Comment: The c.517+6G>A intronic alteration consists of a G to A substitution 6 nucleotides after exon 6 (coding exon 6) of the WDR73 gene. In silico splice site analysis for this alteration is inconclusive. Based on insufficient or conflicting evidence, the clinical significance of this alteration remains unclear.

Literature cited by the submitters: PubMed 17576681 (cited by Labcorp Genetics (formerly Invitae), Labcorp); PubMed 9536098 (cited by Labcorp Genetics (formerly Invitae), Labcorp).